The following is an entry in ClinVar:

NM_002485.5(NBN):c.172-8C>G

Gene: NBN (nibrin; minus strand). Cytogenetic location: 8q21.3.
Variant type: single nucleotide variant.
Coding change: c.172-8C>G on transcript NM_002485.5 (MANE Select); 8 bases into the intron before coding-DNA position 172, C replaced by G.
Molecular consequence: intron variant.
Genome position (GRCh38, 1-based): chr8:89,981,531, G>C on the plus strand (C>G on the coding strand, the complement: NBN is on the minus strand). VCF-style: chr8-89981531-G-C. GRCh37 (hg19) VCF-style: chr8-90993759-G-C.
Other names: c.-75-8C>G (NM_001024688.3).
Identifiers: ClinVar variation 653872 (VCV000653872.8), dbSNP rs1335357045, ClinGen allele CA583376411.

ClinVar aggregate classification (germline): Uncertain significance (1 of 4 stars; one submission).

Conditions:
Microcephaly, normal intelligence and immunodeficiency (NBS). Also called: BERLIN BREAKAGE SYNDROME; Immunodeficiency, microcephaly with normal intelligence; SEEMANOVA SYNDROME II; Ataxia telangiectasia variant V1; Nijmegen breakage syndrome; IMMUNODEFICIENCY, MICROCEPHALY, AND CHROMOSOMAL INSTABILITY. Identifiers: Orphanet 647, MedGen C0398791, MONDO:0009623, OMIM 251260.

Allele frequency attached by ClinVar (database versions not stated): gnomAD exomes below 0.00001.

Submission:

Labcorp Genetics (formerly Invitae), Labcorp
Classification: Uncertain significance for Microcephaly, normal intelligence and immunodeficiency. Last evaluated: 2023-04-28. Review status: criteria provided, single submitter. Criteria: Invitae Variant Classification Sherloc (09022015). Collection method: clinical testing. Allele origin: germline.
Comment: In summary, the available evidence is currently insufficient to determine the role of this variant in disease. Therefore, it has been classified as a Variant of Uncertain Significance. Algorithms developed to predict the effect of sequence changes on RNA splicing suggest that this variant may disrupt the consensus splice site. ClinVar contains an entry for this variant (Variation ID: 653872). This variant has not been reported in the literature in individuals affected with NBN-related conditions. This variant is present in population databases (no rsID available, gnomAD 0.0009%). This sequence change falls in intron 2 of the NBN gene. It does not directly change the encoded amino acid sequence of the NBN protein.